The following is an entry in ClinVar:

NM_000203.5(IDUA):c.159C>A (p.Cys53Ter)

Genes: IDUA (alpha-L-iduronidase; plus strand), SLC26A1 (solute carrier family 26 member 1; minus strand). Cytogenetic location: 4p16.3.
Variant type: single nucleotide variant.
Coding change: c.159C>A on transcript NM_000203.5 (MANE Select); coding-DNA position 159, C replaced by A.
Protein change: p.Cys53Ter; replaces cysteine 53 with a stop codon.
Molecular consequence: nonsense. On other transcripts: 3 prime UTR variant (2), non-coding transcript variant (1), intron variant (1).
Genome position (GRCh38, 1-based): chr4:987,809, C>A. VCF-style: chr4-987809-C-A. GRCh37 (hg19) VCF-style: chr4-981597-C-A.
Other names: NM_000203.5(IDUA):c.159C>A; p.Cys53Ter; c.*1024G>T (NM_022042.4, NM_213613.4); c.576+3319G>T (NM_134425.4); short protein forms C53*.
Identifiers: ClinVar variation 1458768 (VCV001458768.7), dbSNP rs758190824, ClinGen allele CA355945972.
Genomic context (GRCh38, chr4:987,809, plus strand): 5'-TCAGCCGCGCTGCCAGCCATGCTGAGGCTCGGGACTGAGCCGCCCCTTTGTTGTCCCCAG[C>A]CCCCCGCTGCCACACAGCCAGGCTGACCAGTACGTCCTCAGCTGGGACCAGCAGCTCAAC-3'

ClinVar aggregate classification (germline): Pathogenic. Review status: reviewed by expert panel (3 of 4 stars). 3 submissions from 3 submitters: Pathogenic (1). 2 of the submissions do not count toward it. Last evaluated 2025-10-20.

Conditions:
Mucopolysaccharidosis type 1. Also called: IDUA deficiency; MPS I; Mucopolysaccharidosis Type I. Identifiers: Orphanet 579, MedGen C0023786, MONDO:0001586.
Hurler syndrome. Also called: Gargoylism, Hurler Syndrome; MUCOPOLYSACCHARIDOSIS TYPE IH; Severe MPS I (Hurler Syndrome). Identifiers: Orphanet 93473, MedGen C0086795, MONDO:0011758, OMIM 607014.

Submissions (3):

ClinGen Lysosomal Storage Disorder Variant Curation Expert Panel
Classification: Pathogenic for Mucopolysaccharidosis type 1. Last evaluated: 2025-10-20. Review status: reviewed by expert panel. Criteria: ClinGen LSD ACMG Specifications IDUA V1.1.0. Collection method: curation. Allele origin: germline. Inheritance: Autosomal recessive inheritance.
Comment: The NM_000203.5: c.159C>A (p.Cys53Ter) variant in IDUA is a nonsense variant predicted to cause a premature stop codon in biologically-relevant-exon 2 out of 14, leading to nonsense mediated decay in a gene in which loss-of-function is an established disease mechanism (PVS1). Three patients with a diagnosis of MPS I have been reported to be compound heterozygous for the variant and either c.546G>C (p.Glu182Asp) (PMID: 21480867), c.1037T>G (p.Leu346Arg) (PMID: 21480867) or c.653T>C (p.Leu218Pro) (PMID: 34547335). The allelic data from the patients will be used in the classification of the second variant and is not included here to avoid circular logic. Two of these patients had documented IDUA deficiency within the affected range in leukocytes, and urinary GAGs expressed as either total GAGs or specific GAG elevation above normal range. One patient is reported with clinical features specific to MPS I (Hurler) including global developmental delay, macrocephaly, joint stiffness, Mongolian maculae, hepatosplenomegaly, hernia, with a Hurler-Sheie phenotype (PMID: 21480867) (PP4_moderate). This variant is absent in gnomAD v4.0. (PM2_Supporting). There is a ClinVar entry for the variant (Variation ID: 1458768). In summary, this variant meets the criteria to be classified as pathogenic for MPS I based on the IDUA-specific ACMG/AMP criteria applied, as specified by the ClinGen Lysosomal Diseases Variant Curation Expert Panel (Specifications Version 1.1.0): PVS1, PP4, PM2_Supporting (Classification approved by the Clingen Lysosomal Diseases Variant Curation Expert Panel on October 20, 2025)

3billion
Classification: Pathogenic for Hurler syndrome. Last evaluated: 2025-08-09. Review status: criteria provided, single submitter. Criteria: ACMG Guidelines, 2015. Collection method: clinical testing. Allele origin: germline. Affected: yes. Not counted in ClinVar's aggregate classification.
Comment: The variant is not observed in the gnomAD v4.1.0 dataset. Predicted Consequence/Location: Stop-gained (nonsense): predicted to result in a loss or disruption of normal protein function through nonsense-mediated decay (NMD) or protein truncation. Multiple pathogenic variants are reported downstream of the variant. The variant has been reported to be associated with IDUA-related disorder (ClinVar ID: VCV001458768 /PMID: 12203999). Therefore, this variant is classified as Pathogenic according to the recommendation of ACMG/AMP guideline.

Labcorp Genetics (formerly Invitae), Labcorp
Classification: Pathogenic for Mucopolysaccharidosis type 1. Last evaluated: 2024-11-29. Review status: criteria provided, single submitter. Criteria: Invitae Variant Classification Sherloc (09022015). Collection method: clinical testing. Allele origin: germline. Not counted in ClinVar's aggregate classification.
Comment: This sequence change creates a premature translational stop signal (p.Cys53*) in the IDUA gene. It is expected to result in an absent or disrupted protein product. Loss-of-function variants in IDUA are known to be pathogenic (PMID: 11735025, 21480867). This variant is not present in population databases (gnomAD no frequency). This premature translational stop signal has been observed in individual(s) with IDUA-related conditions (PMID: 12203999). ClinVar contains an entry for this variant (Variation ID: 1458768). For these reasons, this variant has been classified as Pathogenic.

Literature cited by the submitters: PubMed 12203999 (cited by 3billion and Labcorp Genetics (formerly Invitae), Labcorp); PubMed 11735025 (cited by Labcorp Genetics (formerly Invitae), Labcorp); PubMed 21480867 (cited by Labcorp Genetics (formerly Invitae), Labcorp).